The following is an entry in ClinVar:

NM_013275.6(ANKRD11):c.2946G>C (p.Glu982Asp)

Gene: ANKRD11 (ankyrin repeat domain 11; minus strand). Cytogenetic location: 16q24.3.
Variant type: single nucleotide variant.
Coding change: c.2946G>C on transcript NM_013275.6 (MANE Select); coding-DNA position 2946, G replaced by C.
Protein change: p.Glu982Asp; replaces glutamic acid 982 with aspartic acid.
Molecular consequence: missense variant.
Genome position (GRCh38, 1-based): chr16:89,283,596, C>G on the plus strand (G>C on the coding strand, the complement: ANKRD11 is on the minus strand). VCF-style: chr16-89283596-C-G. GRCh37 (hg19) VCF-style: chr16-89350004-C-G.
Other names: c.2946G>C, p.Glu982Asp (NM_001256182.2, NM_001256183.2); c.2946G>C (NM_013275.4); short protein forms E982D.
Identifiers: ClinVar variation 2647083 (VCV002647083.25), dbSNP rs199903301, ClinGen allele CA8242467.

ClinVar aggregate classification (germline): Likely benign. Review status: criteria provided, multiple submitters, no conflicts (2 of 4 stars). 3 submissions from 3 submitters: Likely benign (3). Last evaluated 2025-10-30.

Conditions:
Inborn genetic diseases. Identifiers: MedGen C0950123, MeSH D030342.

Allele frequency attached by ClinVar (database versions not stated): TOPMed below 0.00001; ExAC 0.00003; gnomAD 0.00003; 1000 Genomes Project 30x 0.00031; 1000 Genomes Project 0.00040.
gnomAD v4.1: 30 of 1,610,012 alleles (0.0019%); highest among the groups gnomAD compares: Middle Eastern, 0.033%; no homozygotes.

Submissions (3):

Ambry Genetics
Classification: Likely benign for Inborn genetic diseases. Last evaluated: 2025-10-30. Review status: criteria provided, single submitter. Criteria: Ambry Variant Classification Scheme 2023. Collection method: clinical testing. Allele origin: germline.

CeGaT Center for Human Genetics Tuebingen
Classification: Likely benign. Last evaluated: 2023-10-01. Review status: criteria provided, single submitter. Criteria: CeGaT Center For Human Genetics Tuebingen Variant Classification Criteria Version 2. Collection method: clinical testing. Allele origin: germline. Affected: yes. Observed: 1 variant allele.
Comment: ANKRD11: BP4

Blueprint Genetics
Classification: Likely benign. Last evaluated: 2019-02-05. Review status: criteria provided, single submitter. Criteria: ACMG Guidelines, 2015. Collection method: clinical testing. Allele origin: germline.